The following is an entry in ClinVar:

ClinVar aggregate classification (germline): Uncertain significance (1 of 4 stars; one submission).

Conditions:
Spermatogenic failure 18. Identifiers: MedGen C4539783, MONDO:0054615, OMIM 617576.
Ciliary dyskinesia, primary, 37 (CILD37). Also called: CILIARY DYSKINESIA, PRIMARY, 37, WITH OR WITHOUT SITUS INVERSUS. Identifiers: MedGen C4539798, MONDO:0033204, OMIM 617577.

Allele frequency attached by ClinVar (database versions not stated): gnomAD exomes 0.00001; ExAC 0.00002; gnomAD 0.00003; TOPMed 0.00002.
gnomAD v4.1: 24 of 1,613,634 alleles (0.0015%); highest among the groups gnomAD compares: Middle Eastern, 0.016%; no homozygotes.

Submission:

Labcorp Genetics (formerly Invitae), Labcorp
Classification: Uncertain significance for Ciliary dyskinesia, primary, 37; Spermatogenic failure 18. Last evaluated: 2026-01-27. Review status: criteria provided, single submitter. Criteria: Invitae Variant Classification Sherloc (09022015). Collection method: clinical testing. Allele origin: germline.
Comment: This sequence change replaces arginine, which is basic and polar, with cysteine, which is neutral and slightly polar, at codon 3851 of the DNAH1 protein (p.Arg3851Cys). This variant is present in population databases (rs751763171, gnomAD 0.01%). This variant has not been reported in the literature in individuals affected with DNAH1-related conditions. ClinVar contains an entry for this variant (Variation ID: 2153981). Invitae Evidence Modeling of protein sequence and biophysical properties (such as structural, functional, and spatial information, amino acid conservation, physicochemical variation, residue mobility, and thermodynamic stability) indicates that this missense variant is not expected to disrupt DNAH1 protein function with a negative predictive value of 80%. In summary, the available evidence is currently insufficient to determine the role of this variant in disease. Therefore, it has been classified as a Variant of Uncertain Significance.

NM_015512.5(DNAH1):c.11551C>T (p.Arg3851Cys)

Gene: DNAH1 (dynein axonemal heavy chain 1; plus strand). Cytogenetic location: 3p21.1.
Variant type: single nucleotide variant.
Coding change: c.11551C>T on transcript NM_015512.5 (MANE Select); coding-DNA position 11551, C replaced by T.
Protein change: p.Arg3851Cys; replaces arginine 3851 with cysteine.
Molecular consequence: missense variant.
Genome position (GRCh38, 1-based): chr3:52,396,738, C>T. VCF-style: chr3-52396738-C-T. GRCh37 (hg19) VCF-style: chr3-52430754-C-T.
Other names: short protein forms R3851C.
Identifiers: ClinVar variation 2153981 (VCV002153981.4), dbSNP rs751763171, ClinGen allele CA2436209.
Genomic context (GRCh38, chr3:52,396,738, plus strand): 5'-CGCCGTAAGTTTGGGCCCCTGGGCTTCAACATCCCCTATGAGTTCACGGATGGAGATCTG[C>T]GCATCTGCATCAGCCAGCTCAAGATGTTCCTGGACGAATATGATGACATCCCCTACAAGG-3'
Protein context (NP_056327.4, residues 3841-3861): IPYEFTDGDL[Arg3851Cys]ICISQLKMFL